The following is an entry in ClinVar:

ClinVar aggregate classification (germline): Uncertain significance (1 of 4 stars; one submission).

Conditions:
Severe combined immunodeficiency due to DNA-PKcs deficiency. Also called: IMMUNODEFICIENCY 26 WITH NEUROLOGIC ABNORMALITIES; Immunodeficiency 26 with or without neurologic abnormalities. Identifiers: Orphanet 317425, MedGen C4014833, MONDO:0014423, OMIM 615966.

Allele frequency attached by ClinVar (database versions not stated): gnomAD exomes 0.00001; TOPMed 0.00001; ExAC 0.00002; gnomAD 0.00002 and 0.00003; 1000 Genomes Project 30x 0.00016; 1000 Genomes Project 0.00020.
gnomAD v4.1: 15 of 1,612,608 alleles (0.00093%); highest among the groups gnomAD compares: East Asian, 0.0022%; no homozygotes.

Submission:

Labcorp Genetics (formerly Invitae), Labcorp
Classification: Uncertain significance for Severe combined immunodeficiency due to DNA-PKcs deficiency. Last evaluated: 2025-04-28. Review status: criteria provided, single submitter. Criteria: Invitae Variant Classification Sherloc (09022015). Collection method: clinical testing. Allele origin: germline.
Comment: This sequence change replaces arginine, which is basic and polar, with histidine, which is basic and polar, at codon 2619 of the PRKDC protein (p.Arg2619His). The frequency data for this variant in the population databases is considered unreliable, as metrics indicate poor data quality at this position in the gnomAD database. This variant has not been reported in the literature in individuals affected with PRKDC-related conditions. ClinVar contains an entry for this variant (Variation ID: 575018). Invitae Evidence Modeling of protein sequence and biophysical properties (such as structural, functional, and spatial information, amino acid conservation, physicochemical variation, residue mobility, and thermodynamic stability) indicates that this missense variant is not expected to disrupt PRKDC protein function with a negative predictive value of 80%. In summary, the available evidence is currently insufficient to determine the role of this variant in disease. Therefore, it has been classified as a Variant of Uncertain Significance.

NM_006904.7(PRKDC):c.7856G>A (p.Arg2619His)

Gene: PRKDC (protein kinase, DNA-activated, catalytic subunit; minus strand). Cytogenetic location: 8q11.21.
Variant type: single nucleotide variant.
Coding change: c.7856G>A on transcript NM_006904.7 (MANE Select); coding-DNA position 7856, G replaced by A.
Protein change: p.Arg2619His; replaces arginine 2619 with histidine.
Molecular consequence: missense variant.
Genome position (GRCh38, 1-based): chr8:47,836,433, C>T on the plus strand (G>A on the coding strand, the complement: PRKDC is on the minus strand). VCF-style: chr8-47836433-C-T. GRCh37 (hg19) VCF-style: chr8-48748994-C-T.
Other names: c.7856G>A, p.Arg2619His (NM_001081640.2); short protein forms R2619H.
Identifiers: ClinVar variation 575018 (VCV000575018.8), dbSNP rs138740003, ClinGen allele CA4740002.